The following is an entry in ClinVar:

NM_000202.8(IDS):c.162del (p.Cys53_Tyr54insTer)

Gene: IDS (iduronate 2-sulfatase; minus strand). Cytogenetic location: Xq28.
Variant type: Deletion.
Coding change: c.162del on transcript NM_000202.8 (MANE Select); coding-DNA position 162, one base deleted (T; older notation c.162delT).
Protein change: p.Cys53_Tyr54insTer.
Molecular consequence: nonsense. On other transcripts: 5 prime UTR variant (1), non-coding transcript variant (1).
Genome position (GRCh38, 1-based): chrX:149,504,235, A deleted on the plus strand (T on the coding strand, the reverse complement: IDS is on the minus strand). VCF-style (leftmost placement, unchanged base first): chrX-149504234-CA-C. GRCh37 (hg19) VCF-style: chrX-148585764-CA-C.
Other names: c.-65del (NM_001166550.4); c.162del, p.Cys53_Tyr54insTer (NM_006123.5).
Identifiers: ClinVar variation 3255976 (VCV003255976.2).

ClinVar aggregate classification (germline): Pathogenic (1 of 4 stars; one submission).

Conditions:
Mucopolysaccharidosis, MPS-II (MPS2). Also called: Hunter Syndrome; IDURONATE 2-SULFATASE DEFICIENCY; Mucopolysaccharidosis Type II; Mucopolysaccharidosis type 2; Attenuated MPS (subtype; formerly known as mild MPS II); Severe MPS II. Identifiers: Orphanet 580, Orphanet 79388, MedGen C0026705, MONDO:0010674, OMIM 309900.

Submission:

Laboratory of Diagnosis and Therapy of Lysosomal Disorders, University of Padova
Classification: Pathogenic for Mucopolysaccharidosis, MPS-II. Last evaluated: 2024-06-07. Review status: criteria provided, single submitter. Criteria: ACMG Guidelines, 2015. Collection method: literature only. Allele origin: germline. Affected: yes. Observed: 2 variant alleles.
Comment: Null variant (PVS1_VeryStrong), Absent from controls (or at low frequency) in gnomAD database (PM2_Moderate), Cosegregation with disease in multiple affected family members (PP1_Moderate), Patient’s phenotype or family history highly specific for the disease (PP4_Strong)

Classification method: ACMG Guidelines [PMID:25741868] with modifications

Literature cited by the submitters: PubMed 17616540.